The following is an entry in ClinVar:

ClinVar aggregate classification (germline): Benign (1 of 4 stars; one submission).

Allele frequency attached by ClinVar (database versions not stated): 1000 Genomes Project 30x 0.39382; 1000 Genomes Project 0.39437; TOPMed 0.43024; gnomAD 0.43133 and 0.43308.
gnomAD v4.1: 65,732 of 151,918 alleles (43%); highest among the groups gnomAD compares: Admixed American, 52%; 14,877 homozygotes.

Submission:

GeneDx
Classification: Benign. Last evaluated: 2018-06-19. Review status: criteria provided, single submitter. Criteria: GeneDx Variant Classification (06012015). Collection method: clinical testing. Allele origin: germline. Affected: yes.
Comment: This variant is considered likely benign or benign based on one or more of the following criteria: it is a conservative change, it occurs at a poorly conserved position in the protein, it is predicted to be benign by multiple in silico algorithms, and/or has population frequency not consistent with disease.

NM_005518.4(HMGCS2):c.105-266G>C

Gene: HMGCS2 (3-hydroxy-3-methylglutaryl-CoA synthase 2; minus strand). Cytogenetic location: 1p12.
Variant type: single nucleotide variant.
Coding change: c.105-266G>C on transcript NM_005518.4 (MANE Select); 266 bases into the intron before coding-DNA position 105, G replaced by C.
Molecular consequence: intron variant.
Genome position (GRCh38, 1-based): chr1:119,764,892, C>G on the plus strand (G>C on the coding strand, the complement: HMGCS2 is on the minus strand). VCF-style: chr1-119764892-C-G. GRCh37 (hg19) VCF-style: chr1-120307515-C-G.
Other names: c.105-266G>C (NM_001166107.1).
Identifiers: ClinVar variation 684183 (VCV000684183.1), dbSNP rs1441009, ClinGen allele CA10737909.